The following is an entry in ClinVar:

ClinVar aggregate classification (germline): Uncertain significance. Review status: criteria provided, multiple submitters, no conflicts (2 of 4 stars). 2 submissions from 2 submitters: Uncertain significance (2). Last evaluated 2025-09-02.

Conditions:
Inborn genetic diseases. Identifiers: MedGen C0950123, MeSH D030342.

Allele frequency attached by ClinVar (database versions not stated): gnomAD 0.00001; gnomAD exomes 0.00001.
gnomAD v4.1: 5 of 1,614,008 alleles (0.00031%); highest among the groups gnomAD compares: African/African-American, 0.0053%; no homozygotes.

Submissions (2):

Labcorp Genetics (formerly Invitae), Labcorp
Classification: Uncertain significance. Last evaluated: 2025-09-02. Review status: criteria provided, single submitter. Criteria: Invitae Variant Classification Sherloc (09022015). Collection method: clinical testing. Allele origin: germline.
Comment: This sequence change replaces proline, which is neutral and non-polar, with leucine, which is neutral and non-polar, at codon 874 of the ADAMTS18 protein (p.Pro874Leu). This variant is not present in population databases (gnomAD no frequency). This variant has not been reported in the literature in individuals affected with ADAMTS18-related conditions. ClinVar contains an entry for this variant (Variation ID: 1932888). An algorithm developed to predict the effect of missense changes on protein structure and function outputs the following: PolyPhen-2: "Benign". The leucine amino acid residue is found in multiple mammalian species, which suggests that this missense change does not adversely affect protein function. In summary, the available evidence is currently insufficient to determine the role of this variant in disease. Therefore, it has been classified as a Variant of Uncertain Significance.

Ambry Genetics
Classification: Uncertain significance for Inborn genetic diseases. Last evaluated: 2022-05-04. Review status: criteria provided, single submitter. Criteria: Ambry Variant Classification Scheme 2023. Collection method: clinical testing. Allele origin: germline.

NM_199355.4(ADAMTS18):c.2621C>T (p.Pro874Leu)

Gene: ADAMTS18 (ADAM metallopeptidase with thrombospondin type 1 motif 18; minus strand). Cytogenetic location: 16q23.1.
Variant type: single nucleotide variant.
Coding change: c.2621C>T on transcript NM_199355.4 (MANE Select); coding-DNA position 2621, C replaced by T.
Protein change: p.Pro874Leu; replaces proline 874 with leucine.
Molecular consequence: missense variant.
Genome position (GRCh38, 1-based): chr16:77,300,316, G>A on the plus strand (C>T on the coding strand, the complement: ADAMTS18 is on the minus strand). VCF-style: chr16-77300316-G-A. GRCh37 (hg19) VCF-style: chr16-77334213-G-A.
Other names: c.2105C>T, p.Pro702Leu (NM_001326358.2); short protein forms P702L, P874L.
Identifiers: ClinVar variation 1932888 (VCV001932888.6), dbSNP rs1244780117, ClinGen allele CA396823679.